The following is an entry in ClinVar:

NM_000465.4(BARD1):c.215+7A>C

Gene: BARD1 (BRCA1 associated RING domain 1; minus strand). Cytogenetic location: 2q35.
Variant type: single nucleotide variant.
Coding change: c.215+7A>C on transcript NM_000465.4 (MANE Select); 7 bases into the intron after coding-DNA position 215, A replaced by C.
Molecular consequence: intron variant.
Genome position (GRCh38, 1-based): chr2:214,797,054, T>G on the plus strand (A>C on the coding strand, the complement: BARD1 is on the minus strand). VCF-style: chr2-214797054-T-G. GRCh37 (hg19) VCF-style: chr2-215661778-T-G.
Other names: c.158+12358A>C (NM_001282548.2); c.159-4609A>C (NM_001282543.2); c.215+7A>C (NM_001282545.2, NM_001282549.2).
Identifiers: ClinVar variation 1537045 (VCV001537045.10), dbSNP rs1241658352, ClinGen allele CA539521966.
Genomic context (GRCh38, chr2:214,797,054, plus strand): 5'-AGATTACATGATTGTTATCTAGTAAAAAATACAGTTGTACTATATACATCAAACCGTAAT[T>G]ACTTACCTACAGAAGATGTGCTCACATCCTCCTAAACACACAGGCTCTCTCAGAATGTTA-3'

ClinVar aggregate classification (germline): Likely benign. Review status: criteria provided, multiple submitters, no conflicts (2 of 4 stars). 2 submissions from 2 submitters: Likely benign (2). Last evaluated 2024-07-18.

Conditions:
Familial cancer of breast. Also called: Hereditary breast cancer; hereditary breast carcinoma; BREAST CANCER, FAMILIAL. Identifiers: Orphanet 227535, MedGen C0346153, MONDO:0016419, OMIM 114480. Disease mechanism: loss of function.

gnomAD v4.1: 1 of 1,604,824 alleles (0.000062%); highest among the groups gnomAD compares: African/African-American, 0.0013%; no homozygotes.

Submissions (2):

Myriad Genetics, Inc.
Classification: Likely benign for Familial cancer of breast. Last evaluated: 2024-07-18. Review status: criteria provided, single submitter. Criteria: Myriad Autosomal Dominant, Autosomal Recessive and X-Linked Classification Criteria (2023). Collection method: clinical testing. Allele origin: unknown.
Comment: This variant is considered likely benign. This variant is intronic and is not expected to impact mRNA splicing.

Labcorp Genetics (formerly Invitae), Labcorp
Classification: Likely benign for Familial cancer of breast. Last evaluated: 2024-06-25. Review status: criteria provided, single submitter. Criteria: Invitae Variant Classification Sherloc (09022015). Collection method: clinical testing. Allele origin: germline.